The following is an entry in ClinVar:

ClinVar aggregate classification (germline): Uncertain significance (1 of 4 stars; one submission).

Conditions:
GLI2-related disorder. Also called: GLI2-related condition; GLI2-related disorders.

gnomAD v4.1: 1 of 1,613,360 alleles (0.000062%); highest among the groups gnomAD compares: African/African-American, 0.0013%; no homozygotes.

Submission:

PreventionGenetics, part of Exact Sciences
Classification: Uncertain significance for GLI2-related condition. Last evaluated: 2026-05-04. Review status: criteria provided, single submitter. Criteria: ACMG Guidelines, 2015. Collection method: clinical testing. Allele origin: germline.
Comment: The GLI2 c.3719C>T variant is predicted to result in the amino acid substitution p.Thr1240Ile. To our knowledge, this variant has not been reported in the literature or in a large population database (gnomAD), indicating this variant is rare. At this time, the clinical significance of this variant is uncertain due to the absence of conclusive functional and genetic evidence.

NM_001374353.1(GLI2):c.3668C>T (p.Thr1223Ile)

Gene: GLI2 (GLI family zinc finger 2; plus strand). Cytogenetic location: 2q14.2.
Variant type: single nucleotide variant.
Coding change: c.3668C>T on transcript NM_001374353.1 (MANE Select); coding-DNA position 3668, C replaced by T.
Protein change: p.Thr1223Ile; replaces threonine 1223 with isoleucine.
Molecular consequence: missense variant.
Genome position (GRCh38, 1-based): chr2:120,989,633, C>T. VCF-style: chr2-120989633-C-T. GRCh37 (hg19) VCF-style: chr2-121747209-C-T.
Other names: c.3719C>T, p.Thr1240Ile (NM_001371271.1, NM_005270.5); c.3293C>T, p.Thr1098Ile (NM_001374354.1); short protein forms T1223I, T1240I, T1098I.
Identifiers: ClinVar variation 4996545 (VCV004996545.1).
Genomic context (GRCh38, chr2:120,989,633, plus strand): 5'-ACTACATGCAGCAGCTGCGACAGCCAGTGGCAGGCAGCCAGTGTCCTGGCATGACTACCA[C>T]TATGAGCCCCCATGCCTGCTATGGCCAAGTCCACCCCCAGCTGAGCCCCAGCACCATCAG-3'
Protein context (NP_001361282.1, residues 1213-1233): AGSQCPGMTT[Thr1223Ile]MSPHACYGQV